The following is an entry in ClinVar:

NM_001211.6(BUB1B):c.1877T>C (p.Met626Thr)

Gene: BUB1B (BUB1 mitotic checkpoint serine/threonine kinase B; plus strand). Cytogenetic location: 15q15.1.
Variant type: single nucleotide variant.
Coding change: c.1877T>C on transcript NM_001211.6 (MANE Select); coding-DNA position 1877, T replaced by C.
Protein change: p.Met626Thr; replaces methionine 626 with threonine.
Molecular consequence: missense variant.
Genome position (GRCh38, 1-based): chr15:40,206,326, T>C. VCF-style: chr15-40206326-T-C. GRCh37 (hg19) VCF-style: chr15-40498527-T-C.
Other names: short protein forms M626T.
Identifiers: ClinVar variation 1394447 (VCV001394447.10), dbSNP rs1359983479, ClinGen allele CA391692590.

ClinVar aggregate classification (germline): Uncertain significance. Review status: criteria provided, multiple submitters, no conflicts (2 of 4 stars). 2 submissions from 2 submitters: Uncertain significance (2). Last evaluated 2022-05-12.

Conditions:
Inborn genetic diseases. Identifiers: MedGen C0950123, MeSH D030342.
Mosaic variegated aneuploidy syndrome 1 (MVA1). Also called: Warburton-Anyane-Yeboa syndrome. Identifiers: Orphanet 1052, MedGen C1850343, MONDO:0009759, OMIM 257300.

Allele frequency attached by ClinVar (database versions not stated): gnomAD exomes below 0.00001.
gnomAD v4.1: 2 of 1,614,198 alleles (0.00012%); highest among the groups gnomAD compares: East Asian, 0.0022%; no homozygotes.

Submissions (2):

Ambry Genetics
Classification: Uncertain significance for Inborn genetic diseases. Last evaluated: 2022-05-12. Review status: criteria provided, single submitter. Criteria: Ambry Variant Classification Scheme 2023. Collection method: clinical testing. Allele origin: germline.
Comment: The p.M626T variant (also known as c.1877T>C), located in coding exon 15 of the BUB1B gene, results from a T to C substitution at nucleotide position 1877. The methionine at codon 626 is replaced by threonine, an amino acid with similar properties. This amino acid position is conserved. In addition, this alteration is predicted to be tolerated by in silico analysis. Since supporting evidence is limited at this time, the clinical significance of this alteration remains unclear.

Labcorp Genetics (formerly Invitae), Labcorp
Classification: Uncertain significance for Mosaic variegated aneuploidy syndrome 1. Last evaluated: 2021-02-01. Review status: criteria provided, single submitter. Criteria: Invitae Variant Classification Sherloc (09022015). Collection method: clinical testing. Allele origin: germline.
Comment: In summary, the available evidence is currently insufficient to determine the role of this variant in disease. Therefore, it has been classified as a Variant of Uncertain Significance. Algorithms developed to predict the effect of missense changes on protein structure and function output the following: SIFT: "Tolerated"; PolyPhen-2: "Benign"; Align-GVGD: "Class C0". The threonine amino acid residue is found in multiple mammalian species, suggesting that this missense change does not adversely affect protein function. These predictions have not been confirmed by published functional studies and their clinical significance is uncertain. This variant has not been reported in the literature in individuals with BUB1B-related conditions. This variant is not present in population databases (ExAC no frequency). This sequence change replaces methionine with threonine at codon 626 of the BUB1B protein (p.Met626Thr). The methionine residue is weakly conserved and there is a moderate physicochemical difference between methionine and threonine.